The following is an entry in ClinVar:

NM_001267550.2(TTN):c.45177A>G (p.Ala15059=)

Genes: TTN (titin; minus strand), LOC126806427 (BRD4-independent group 4 enhancer GRCh37_chr2:179485777-179486976; plus strand). Cytogenetic location: 2q31.2.
Variant type: single nucleotide variant.
Coding change: c.45177A>G on transcript NM_001267550.2 (MANE Select); coding-DNA position 45177, A replaced by G.
Protein change: p.Ala15059=; no amino-acid change (alanine 15059 retained).
Molecular consequence: synonymous variant.
Genome position (GRCh38, 1-based): chr2:178,621,647, T>C on the plus strand (A>G on the coding strand, the complement: TTN is on the minus strand). VCF-style: chr2-178621647-T-C. GRCh37 (hg19) VCF-style: chr2-179486374-T-C.
Other names: c.40254A>G, p.Ala13418= (NM_001256850.1); c.17982A>G, p.Ala5994= (NM_003319.4); c.37473A>G, p.Ala12491= (NM_133378.4); c.18357A>G, p.Ala6119= (NM_133432.3); c.18558A>G, p.Ala6186= (NM_133437.4).
Identifiers: ClinVar variation 1104314 (VCV001104314.12), dbSNP rs769716636, ClinGen allele CA1995484.
Genomic context (GRCh38, chr2:178,621,647, plus strand): 5'-CAGTATTTCATATCTTCCTGTTTCAATGATCTCCTCATCCCCTTTATACCAAATCACTTC[T>C]GCGCCAGGTTTGGAGACTTCACAAACCAGTTTTATAGTGTCTGTTTCACTAACTTCAATG-3'
Protein context (NP_001254479.2, residues 15049-15069): KLVCEVSKPG[Ala15059=]EVIWYKGDEE

ClinVar aggregate classification (germline): Likely benign. Review status: criteria provided, multiple submitters, no conflicts (2 of 4 stars). 3 submissions from 3 submitters: Likely benign (3). Last evaluated 2025-09-10.

Conditions:
TTN-related disorder. Also called: TTN-related condition; TTN-related disease; TTN-related disorders.
Cardiovascular phenotype. Identifiers: MedGen CN230736.
Autosomal recessive limb-girdle muscular dystrophy type 2J (LGMDR10). Also called: Limb-girdle muscular dystrophy, type 2J; MUSCULAR DYSTROPHY, LIMB-GIRDLE, AUTOSOMAL RECESSIVE 10. Identifiers: Orphanet 140922, MedGen C1837342, MONDO:0012127, OMIM 608807.
Dilated cardiomyopathy 1G (CMD1G). Identifiers: Orphanet 154, MedGen C1858763, MONDO:0011400, OMIM 604145.

Allele frequency attached by ClinVar (database versions not stated): gnomAD exomes 0.00001 and below 0.00001; ExAC 0.00002; gnomAD 0.00003 and 0.00004; TOPMed 0.00005.
gnomAD v4.1: 11 of 1,612,400 alleles (0.00068%); highest among the groups gnomAD compares: African/African-American, 0.015%; no homozygotes.

Submissions (3):

Labcorp Genetics (formerly Invitae), Labcorp
Classification: Likely benign for Dilated cardiomyopathy 1G; Autosomal recessive limb-girdle muscular dystrophy type 2J. Last evaluated: 2025-09-10. Review status: criteria provided, single submitter. Criteria: Invitae Variant Classification Sherloc (09022015). Collection method: clinical testing. Allele origin: germline.

PreventionGenetics, part of Exact Sciences
Classification: Likely benign for TTN-related condition. Last evaluated: 2025-07-15. Review status: criteria provided, single submitter. Criteria: ACMG Guidelines, 2015. Collection method: clinical testing. Allele origin: germline.
Comment: This variant is classified as likely benign based on ACMG/AMP sequence variant interpretation guidelines (Richards et al. 2015 PMID: 25741868, with internal and published modifications).

Ambry Genetics
Classification: Likely benign for Cardiovascular phenotype. Last evaluated: 2020-11-05. Review status: criteria provided, single submitter. Criteria: Ambry Variant Classification Scheme 2023. Collection method: clinical testing. Allele origin: germline.